The following is an entry in ClinVar:

ClinVar aggregate classification (germline): Pathogenic (1 of 4 stars; one submission).

Conditions:
Inborn genetic diseases. Identifiers: MedGen C0950123, MeSH D030342.

Submission:

Ambry Genetics
Classification: Pathogenic for Inborn genetic diseases. Last evaluated: 2025-10-16. Review status: criteria provided, single submitter. Criteria: Ambry Variant Classification Scheme 2023. Collection method: clinical testing. Allele origin: germline.
Comment: The c.3635_3636dupAG (p.E1213Rfs*11) alteration, located in exon 4 (coding exon 4) of the PRR12 gene, consists of a duplication of AG at position 3635, causing a translational frameshift with a predicted alternate stop codon after 11 amino acids. This alteration is expected to result in loss of function by premature protein truncation or nonsense-mediated mRNA decay. This variant was not reported in population-based cohorts in the Genome Aggregation Database (gnomAD). Based on the available evidence, this alteration is classified as pathogenic.

NM_020719.3(PRR12):c.3635_3636dup (p.Glu1213fs)

Gene: PRR12 (proline rich 12; plus strand). Cytogenetic location: 19q13.33.
Variant type: Duplication.
Coding change: c.3635_3636dup on transcript NM_020719.3 (MANE Select); coding-DNA positions 3635 to 3636, 2 bases duplicated (AG; older notation c.3635_3636dupAG).
Protein change: p.Glu1213fs; shifts the reading frame from glutamic acid 1213.
Molecular consequence: frameshift variant.
Genome position (GRCh38, 1-based): chr19:49,597,970-49,597,971, AG duplicated; duplicating any 2 consecutive bases within chr19:49,597,969-49,597,971 gives the same sequence; the c. name uses the placement nearest the transcript's 3' end. VCF-style (leftmost placement, unchanged base first): chr19-49597968-T-TGA. GRCh37 (hg19) VCF-style: chr19-50101225-T-TGA.
Other names: short protein forms E1213fs.
Identifiers: ClinVar variation 4628495 (VCV004628495.1).
Genomic context (GRCh38, chr19:49,597,968, plus strand): 5'-CACGCCCACCGATGGCGCCAAGAAACCCCGGGGCCGGGGCCGAGGCCGGGGTCGAAAGGC[T>TGA]GAGGAGGCAGGGGGCACCCGGTTGGAGCCCCTGAAGCCACTTAAGGTGAGGGGAAATGGG-3'